The following is an entry in ClinVar:

NM_000487.6(ARSA):c.185_186del (p.Thr62fs)

Gene: ARSA (arylsulfatase A; minus strand). Cytogenetic location: 22q13.33.
Variant type: Microsatellite.
Coding change: c.185_186del on transcript NM_000487.6 (MANE Select); coding-DNA positions 185 to 186, 2 bases deleted (CA; older notation c.185_186delCA).
Protein change: p.Thr62fs; shifts the reading frame from threonine 62.
Molecular consequence: frameshift variant. On other transcripts: intron variant (2).
Genome position (GRCh38, 1-based): chr22:50,627,594-50,627,595, TG deleted on the plus strand (CA on the coding strand, the reverse complement: ARSA is on the minus strand); deleting any 2 consecutive bases within chr22:50,627,594-50,627,597 gives the same sequence; the c. name uses the placement nearest the transcript's 3' end. VCF-style (leftmost placement, unchanged base first): chr22-50627593-CTG-C. GRCh37 (hg19) VCF-style: chr22-51066021-CTG-C.
Other names: c.185_186del, p.Thr62fs (NM_001085425.3, NM_001085426.3, NM_001085427.3); c.-34-189_-34-188del (NM_001362782.2, NM_001085428.3); short protein forms T62fs.
Identifiers: ClinVar variation 1460447 (VCV001460447.9), dbSNP rs1227301119, ClinGen allele CA2580615341.

ClinVar aggregate classification (germline): Pathogenic/Likely pathogenic. Review status: criteria provided, multiple submitters, no conflicts (2 of 4 stars). 3 submissions from 3 submitters: Pathogenic (1); Likely pathogenic (2). Last evaluated 2024-06-21.

Conditions:
Metachromatic leukodystrophy (MLD). Also called: ARSA DEFICIENCY; CEREBROSIDE SULFATASE DEFICIENCY; Cerebral sclerosis diffuse metachromatic form; Arylsulfatase A Deficiency; METACHROMATIC LEUKOENCEPHALOPATHY; SULFATIDE LIPIDOSIS. Identifiers: Orphanet 512, MedGen C0023522, MONDO:0018868, OMIM 250100.

Submissions (3):

Fulgent Genetics
Classification: Likely pathogenic for Metachromatic leukodystrophy. Last evaluated: 2024-06-21. Review status: criteria provided, single submitter. Criteria: ACMG Guidelines, 2015. Collection method: clinical testing. Allele origin: germline.

Labcorp Genetics (formerly Invitae), Labcorp
Classification: Pathogenic for Metachromatic leukodystrophy. Last evaluated: 2021-08-20. Review status: criteria provided, single submitter. Criteria: Invitae Variant Classification Sherloc (09022015). Collection method: clinical testing. Allele origin: germline.
Comment: For these reasons, this variant has been classified as Pathogenic. This sequence change creates a premature translational stop signal (p.Thr62Argfs*13) in the ARSA gene. It is expected to result in an absent or disrupted protein product. Loss-of-function variants in ARSA are known to be pathogenic (PMID: 8962139, 10477432). This variant is not present in population databases (ExAC no frequency). This variant has not been reported in the literature in individuals affected with ARSA-related conditions.

Juno Genomics, Hangzhou Juno Genomics, Inc
Classification: Likely pathogenic for Metachromatic leukodystrophy. Review status: criteria provided, single submitter. Criteria: ACMG Guidelines, 2015. Collection method: clinical testing. Allele origin: germline.
Comment: Absent from controls (or at extremely low frequency if recessive) in Genome Aggregation Database.;Null variant in a gene where loss of function (LOF) is a known mechanism of disease.

Literature cited by the submitters: PubMed 8962139 (cited by Labcorp Genetics (formerly Invitae), Labcorp); PubMed 10477432 (cited by Labcorp Genetics (formerly Invitae), Labcorp).